The following is an entry in ClinVar:

ClinVar aggregate classification (germline): Pathogenic (1 of 4 stars; one submission).

Allele frequency attached by ClinVar (database versions not stated): gnomAD exomes below 0.00001.

Submission:

CeGaT Center for Human Genetics Tuebingen
Classification: Pathogenic. Last evaluated: 2023-04-01. Review status: criteria provided, single submitter. Criteria: CeGaT Center For Human Genetics Tuebingen Variant Classification Criteria Version 2. Collection method: clinical testing. Allele origin: germline. Affected: yes. Observed: 1 variant allele.
Comment: PRG4: PVS1, PM2

NM_005807.6(PRG4):c.3560_3561del (p.Glu1187fs)

Gene: PRG4 (proteoglycan 4; plus strand). Cytogenetic location: 1q31.1.
Variant type: Deletion.
Coding change: c.3560_3561del on transcript NM_005807.6 (MANE Select); coding-DNA positions 3560 to 3561, 2 bases deleted (AA; older notation c.3560_3561delAA).
Protein change: p.Glu1187fs; shifts the reading frame from glutamic acid 1187.
Molecular consequence: frameshift variant.
Genome position (GRCh38, 1-based): chr1:186,311,094-186,311,095, AA deleted. VCF-style (leftmost placement, unchanged base first): chr1-186311093-GAA-G. GRCh37 (hg19) VCF-style: chr1-186280225-GAA-G.
Other names: c.3437_3438del, p.Glu1146fs (NM_001127708.3); c.3281_3282del, p.Glu1094fs (NM_001127709.3); c.3158_3159del, p.Glu1053fs (NM_001127710.3); c.3431_3432del, p.Glu1144fs (NM_001303232.2); short protein forms E1053fs, E1094fs, E1144fs, E1146fs, E1187fs.
Identifiers: ClinVar variation 2570744 (VCV002570744.27), dbSNP rs2526433101, ClinGen allele CA2580612899.